The following is an entry in ClinVar:

NM_004329.3(BMPR1A):c.620A>G (p.Lys207Arg)

Gene: BMPR1A (bone morphogenetic protein receptor type 1A; plus strand). Cytogenetic location: 10q23.2.
Variant type: single nucleotide variant.
Coding change: c.620A>G on transcript NM_004329.3 (MANE Select); coding-DNA position 620, A replaced by G.
Protein change: p.Lys207Arg; replaces lysine 207 with arginine.
Molecular consequence: missense variant.
Genome position (GRCh38, 1-based): chr10:86,912,329, A>G. VCF-style: chr10-86912329-A-G. GRCh37 (hg19) VCF-style: chr10-88672086-A-G.
Other names: short protein forms K207R.
Identifiers: ClinVar variation 438904 (VCV000438904.13), dbSNP rs1554890228, ClinGen allele CA377454838.

ClinVar aggregate classification (germline): Uncertain significance. Review status: criteria provided, multiple submitters, no conflicts (2 of 4 stars). 3 submissions from 3 submitters: Uncertain significance (3). Last evaluated 2025-04-10.

Conditions:
Juvenile polyposis syndrome (JPS). Identifiers: Orphanet 2929, MedGen C0345893, MONDO:0017380, OMIM 174900.
Hereditary cancer-predisposing syndrome. Also called: Hereditary Cancer Syndrome; Hereditary neoplastic syndrome; Tumor predisposition; Neoplastic Syndromes, Hereditary. Identifiers: Orphanet 140162, MedGen C0027672, MeSH D009386, MONDO:0015356.

Submissions (3):

Ambry Genetics
Classification: Uncertain significance for Hereditary cancer-predisposing syndrome. Last evaluated: 2025-04-10. Review status: criteria provided, single submitter. Criteria: Ambry Variant Classification Scheme 2023. Collection method: clinical testing. Allele origin: germline.
Comment: The p.K207R variant (also known as c.620A>G), located in coding exon 6 of the BMPR1A gene, results from an A to G substitution at nucleotide position 620. The lysine at codon 207 is replaced by arginine, an amino acid with highly similar properties. This amino acid position is conserved. In addition, the in silico prediction for this alteration is inconclusive. Based on the available evidence, the clinical significance of this variant remains unclear.

Labcorp Genetics (formerly Invitae), Labcorp
Classification: Uncertain significance for Juvenile polyposis syndrome. Last evaluated: 2024-02-08. Review status: criteria provided, single submitter. Criteria: Invitae Variant Classification Sherloc (09022015). Collection method: clinical testing. Allele origin: germline.
Comment: This sequence change replaces lysine, which is basic and polar, with arginine, which is basic and polar, at codon 207 of the BMPR1A protein (p.Lys207Arg). This variant is not present in population databases (gnomAD no frequency). This variant has not been reported in the literature in individuals affected with BMPR1A-related conditions. ClinVar contains an entry for this variant (Variation ID: 438904). Advanced modeling of protein sequence and biophysical properties (such as structural, functional, and spatial information, amino acid conservation, physicochemical variation, residue mobility, and thermodynamic stability) performed at Invitae indicates that this missense variant is not expected to disrupt BMPR1A protein function with a negative predictive value of 80%. In summary, the available evidence is currently insufficient to determine the role of this variant in disease. Therefore, it has been classified as a Variant of Uncertain Significance.

Quest Diagnostics Nichols Institute San Juan Capistrano
Classification: Uncertain significance. Last evaluated: 2017-01-20. Review status: criteria provided, single submitter. Criteria: Quest Diagnostics criteria. Collection method: clinical testing. Allele origin: germline.